The following is an entry in ClinVar:

ClinVar aggregate classification (germline): Uncertain significance (1 of 4 stars; one submission).

Allele frequency attached by ClinVar (database versions not stated): TOPMed below 0.00001; gnomAD 0.00001.
gnomAD v4.1: 1 of 1,558,234 alleles (0.000064%); no homozygotes.

Submission:

Labcorp Genetics (formerly Invitae), Labcorp
Classification: Uncertain significance. Last evaluated: 2025-10-21. Review status: criteria provided, single submitter. Criteria: Invitae Variant Classification Sherloc (09022015). Collection method: clinical testing. Allele origin: germline.
Comment: This sequence change replaces serine, which is neutral and polar, with tyrosine, which is neutral and polar, at codon 109 of the CBX2 protein (p.Ser109Tyr). This variant is not present in population databases (gnomAD no frequency). This variant has not been reported in the literature in individuals affected with CBX2-related conditions. ClinVar contains an entry for this variant (Variation ID: 1432898). Invitae Evidence Modeling of protein sequence and biophysical properties (such as structural, functional, and spatial information, amino acid conservation, physicochemical variation, residue mobility, and thermodynamic stability) indicates that this missense variant is expected to disrupt CBX2 protein function with a positive predictive value of 80%. In summary, the available evidence is currently insufficient to determine the role of this variant in disease. Therefore, it has been classified as a Variant of Uncertain Significance.

NM_005189.3(CBX2):c.326C>A (p.Ser109Tyr)

Gene: CBX2 (chromobox 2; plus strand). Cytogenetic location: 17q25.3.
Variant type: single nucleotide variant.
Coding change: c.326C>A on transcript NM_005189.3 (MANE Select); coding-DNA position 326, C replaced by A.
Protein change: p.Ser109Tyr; replaces serine 109 with tyrosine.
Molecular consequence: missense variant.
Genome position (GRCh38, 1-based): chr17:79,783,769, C>A. VCF-style: chr17-79783769-C-A. GRCh37 (hg19) VCF-style: chr17-77757568-C-A.
Other names: short protein forms S109Y.
Identifiers: ClinVar variation 1432898 (VCV001432898.6), dbSNP rs1907408854, ClinGen allele CA401330950.